The following is an entry in ClinVar:

NM_018960.6(GNMT):c.686G>C (p.Gly229Ala)

Genes: CNPY3-GNMT (CNPY3-GNMT readthrough; plus strand), GNMT (glycine N-methyltransferase; plus strand). Cytogenetic location: 6p21.1.
Variant type: single nucleotide variant.
Coding change: c.686G>C on transcript NM_018960.6 (MANE Select); coding-DNA position 686, G replaced by C.
Protein change: p.Gly229Ala; replaces glycine 229 with alanine.
Molecular consequence: missense variant. On other transcripts: non-coding transcript variant (4).
Genome position (GRCh38, 1-based): chr6:42,963,419, G>C. VCF-style: chr6-42963419-G-C. GRCh37 (hg19) VCF-style: chr6-42931157-G-C.
Other names: c.488G>C, p.Gly163Ala (NM_001318856.2); c.503G>C, p.Gly168Ala (NM_001318857.2); c.395G>C, p.Gly132Ala (NM_001318858.2); c.629G>C, p.Gly210Ala (NM_001318865.2); short protein forms G163A, G168A, G210A, G229A, G132A.
Identifiers: ClinVar variation 1413970 (VCV001413970.6), dbSNP rs757268426, ClinGen allele CA3810779.

ClinVar aggregate classification (germline): Uncertain significance (1 of 4 stars; one submission).

Allele frequency attached by ClinVar (database versions not stated): gnomAD exomes below 0.00001; ExAC 0.00002.

Submission:

Labcorp Genetics (formerly Invitae), Labcorp
Classification: Uncertain significance. Last evaluated: 2021-11-06. Review status: criteria provided, single submitter. Criteria: Invitae Variant Classification Sherloc (09022015). Collection method: clinical testing. Allele origin: germline.
Comment: This sequence change replaces glycine, which is neutral and non-polar, with alanine, which is neutral and non-polar, at codon 229 of the GNMT protein (p.Gly229Ala). This variant is present in population databases (rs757268426, gnomAD 0.0009%). This variant has not been reported in the literature in individuals affected with GNMT-related conditions. Algorithms developed to predict the effect of missense changes on protein structure and function output the following: SIFT: "Not Available"; PolyPhen-2: "Benign"; Align-GVGD: "Not Available". The alanine amino acid residue is found in multiple mammalian species, which suggests that this missense change does not adversely affect protein function. In summary, the available evidence is currently insufficient to determine the role of this variant in disease. Therefore, it has been classified as a Variant of Uncertain Significance.